The following is an entry in ClinVar:

ClinVar aggregate classification (germline): Uncertain significance (1 of 4 stars; one submission).

Allele frequency attached by ClinVar (database versions not stated): gnomAD 0.00001; ExAC 0.00002; gnomAD exomes 0.00002; TOPMed 0.00002.
gnomAD v4.1: 18 of 1,604,064 alleles (0.0011%); highest among the groups gnomAD compares: Admixed American, 0.0033%; no homozygotes.

Submission:

Labcorp Genetics (formerly Invitae), Labcorp
Classification: Uncertain significance. Last evaluated: 2021-03-02. Review status: criteria provided, single submitter. Criteria: Invitae Variant Classification Sherloc (09022015). Collection method: clinical testing. Allele origin: germline.
Comment: In summary, the available evidence is currently insufficient to determine the role of this variant in disease. Therefore, it has been classified as a Variant of Uncertain Significance. This sequence change replaces arginine with glutamine at codon 1193 of the RUSC2 protein (p.Arg1193Gln). The arginine residue is moderately conserved and there is a small physicochemical difference between arginine and glutamine. This variant is present in population databases (rs767905582, ExAC 0.01%). This variant has not been reported in the literature in individuals with RUSC2-related conditions. Algorithms developed to predict the effect of missense changes on protein structure and function are either unavailable or do not agree on the potential impact of this missense change (SIFT: "Tolerated"; PolyPhen-2: "Probably Damaging"; Align-GVGD: "Class C0").

NM_014806.5(RUSC2):c.3578G>A (p.Arg1193Gln)

Gene: RUSC2 (RUN and SH3 domain containing 2; plus strand). Cytogenetic location: 9p13.3.
Variant type: single nucleotide variant.
Coding change: c.3578G>A on transcript NM_014806.5 (MANE Select); coding-DNA position 3578, G replaced by A.
Protein change: p.Arg1193Gln; replaces arginine 1193 with glutamine.
Molecular consequence: missense variant. On other transcripts: non-coding transcript variant (1).
Genome position (GRCh38, 1-based): chr9:35,560,218, G>A. VCF-style: chr9-35560218-G-A. GRCh37 (hg19) VCF-style: chr9-35560215-G-A.
Other names: c.3578G>A, p.Arg1193Gln (NM_001135999.2); c.944G>A, p.Arg315Gln (NM_001330740.2); short protein forms R315Q, R1193Q.
Identifiers: ClinVar variation 1485018 (VCV001485018.7), dbSNP rs767905582, ClinGen allele CA5044189.
Genomic context (GRCh38, chr9:35,560,218, plus strand): 5'-TGTTCCAGCACCGGCTGCTGCAAAGTGGGCAGCAGCAGCGGCAGCACAAGGAACTGCTGC[G>A]GGTGTCCCAGGACCTGCTGCTGTCTGCCCACTCCACGCTGCAGCTGGCCCGGGCCCGGGG-3'
Protein context (NP_055621.2, residues 1183-1203): QQQRQHKELL[Arg1193Gln]VSQDLLLSAH